The following is an entry in ClinVar:

NM_001308093.3(GATA4):c.1001-219G>T

Gene: GATA4 (GATA binding protein 4). Cytogenetic location: 8p23.1.
Variant type: single nucleotide variant.
Coding change: c.1001-219G>T on transcript NM_001308093.3 (MANE Select); 219 bases into the intron before coding-DNA position 1001, G replaced by T.
Molecular consequence: intron variant.
Genome position (GRCh38, 1-based): chr8:11,756,716, G>T. VCF-style: chr8-11756716-G-T. GRCh37 (hg19) VCF-style: chr8-11614225-G-T.
Other names: c.380-219G>T (NM_001308094.2, NM_001374273.1); c.998-219G>T (NM_002052.5); c.254-219G>T (NM_001374274.1).
Identifiers: ClinVar variation 1169507 (VCV001169507.11), dbSNP rs4841588, ClinGen allele CA12784293.

ClinVar aggregate classification (germline): Benign. Review status: criteria provided, multiple submitters, no conflicts (2 of 4 stars). 3 submissions from 3 submitters: Benign (3). Last evaluated 2026-01-19.

Conditions:
Atrioventricular septal defect 4 (AVSD4). Identifiers: MedGen C3280781, MONDO:0013747, OMIM 614430.

Allele frequency attached by ClinVar (database versions not stated): gnomAD 0.18594 and 0.19839; TOPMed 0.19770; 1000 Genomes Project 30x 0.31137; 1000 Genomes Project 0.32528.
gnomAD v4.1: 127,387 of 612,510 alleles (21%); highest among the groups gnomAD compares: East Asian, 66%; 18,838 homozygotes.

Submissions (3):

Labcorp Genetics (formerly Invitae), Labcorp
Classification: Benign for Atrioventricular septal defect 4. Last evaluated: 2026-01-19. Review status: criteria provided, single submitter. Criteria: Invitae Variant Classification Sherloc (09022015). Collection method: clinical testing. Allele origin: germline.

GeneDx
Classification: Benign. Last evaluated: 2018-09-11. Review status: criteria provided, single submitter. Criteria: GeneDx Variant Classification Process June 2021. Collection method: clinical testing. Allele origin: germline. Affected: yes.
Comment: This variant is associated with the following publications: (PMID: 25928801)

Breakthrough Genomics
Classification: Benign. Review status: criteria provided, single submitter. Criteria: ACMG Guidelines, 2015. Collection method: not provided. Allele origin: germline. Inheritance: Autosomal dominant inheritance. Affected: yes.